The following is an entry in ClinVar:

ClinVar aggregate classification (germline): Likely benign (1 of 4 stars; one submission).

gnomAD v4.1: 12 of 1,211,737 alleles (0.00099%); highest among the groups gnomAD compares: Non-Finnish European, 0.0013%; no homozygotes.

Submission:

CeGaT Center for Human Genetics Tuebingen
Classification: Likely benign. Last evaluated: 2026-02-01. Review status: criteria provided, single submitter. Criteria: CeGaT Center For Human Genetics Tuebingen Variant Classification Criteria Version 2. Collection method: clinical testing. Allele origin: germline. Affected: yes. Observed: 1 variant allele.
Comment: ATP2B3: BP4

NM_001001344.3(ATP2B3):c.543G>A (p.Gln181=)

Gene: ATP2B3 (ATPase plasma membrane Ca2+ transporting 3; plus strand). Cytogenetic location: Xq28.
Variant type: single nucleotide variant.
Coding change: c.543G>A on transcript NM_001001344.3 (MANE Select); coding-DNA position 543, G replaced by A.
Protein change: p.Gln181=; no amino-acid change (glutamine 181 retained).
Molecular consequence: synonymous variant.
Genome position (GRCh38, 1-based): chrX:153,541,805, G>A. VCF-style: chrX-153541805-G-A. GRCh37 (hg19) VCF-style: chrX-152807263-G-A.
Other names: c.543G>A, p.Gln181= (NM_001388360.1, NM_001388361.1, NM_001388362.1 and 2 more transcripts).
Identifiers: ClinVar variation 4822567 (VCV004822567.4).